The following is an entry in ClinVar:

NM_001042492.3(NF1):c.6792A>G (p.Ile2264Met)

Gene: NF1 (neurofibromin 1; plus strand). Cytogenetic location: 17q11.2.
Variant type: single nucleotide variant.
Coding change: c.6792A>G on transcript NM_001042492.3 (MANE Select); coding-DNA position 6792, A replaced by G.
Protein change: p.Ile2264Met; replaces isoleucine 2264 with methionine.
Molecular consequence: missense variant.
Genome position (GRCh38, 1-based): chr17:31,338,112, A>G. VCF-style: chr17-31338112-A-G. GRCh37 (hg19) VCF-style: chr17-29665130-A-G.
Other names: c.6729A>G, p.Ile2243Met (NM_000267.4); short protein forms I2243M, I2264M.
Identifiers: ClinVar variation 3010294 (VCV003010294.3), dbSNP rs2151558318, ClinGen allele CA399014165.
Genomic context (GRCh38, chr17:31,338,112, plus strand): 5'-GCAACCAAGAGCTCTTGTTGTCTTTGGGTGTATTAGCAAACGAGTGTCTCATGGGCAGAT[A>G]AAGCAGATAATCCGTATTCTTAGCAAGGTACCTGTTCCGCCCTCACTTCTCCCAAATATT-3'
Protein context (NP_001035957.1, residues 2254-2274): CISKRVSHGQ[Ile2264Met]KQIIRILSKA

ClinVar aggregate classification (germline): Uncertain significance (1 of 4 stars; one submission).

Conditions:
Neurofibromatosis, type 1 (NF1). Also called: Peripheral type neurofibromatosis; VON RECKLINGHAUSEN DISEASE; Neurofibromatosis, type I; NEUROFIBROMATOSIS, TYPE I, SOMATIC. Identifiers: Orphanet 636, MedGen C0027831, MONDO:0018975, OMIM 162200. Disease mechanism: loss of function.

Submission:

Labcorp Genetics (formerly Invitae), Labcorp
Classification: Uncertain significance for Neurofibromatosis, type 1. Last evaluated: 2024-05-21. Review status: criteria provided, single submitter. Criteria: Invitae Variant Classification Sherloc (09022015). Collection method: clinical testing. Allele origin: germline.
Comment: This sequence change replaces isoleucine, which is neutral and non-polar, with methionine, which is neutral and non-polar, at codon 2243 of the NF1 protein (p.Ile2243Met). This variant is not present in population databases (gnomAD no frequency). This variant has not been reported in the literature in individuals affected with NF1-related conditions. Advanced modeling of protein sequence and biophysical properties (such as structural, functional, and spatial information, amino acid conservation, physicochemical variation, residue mobility, and thermodynamic stability) performed at Invitae indicates that this missense variant is not expected to disrupt NF1 protein function with a negative predictive value of 95%. In summary, the available evidence is currently insufficient to determine the role of this variant in disease. Therefore, it has been classified as a Variant of Uncertain Significance.